The following is an entry in ClinVar:

NM_005909.5(MAP1B):c.1777C>G (p.Pro593Ala)

Gene: MAP1B (microtubule associated protein 1B; plus strand). Cytogenetic location: 5q13.2.
Variant type: single nucleotide variant.
Coding change: c.1777C>G on transcript NM_005909.5 (MANE Select); coding-DNA position 1777, C replaced by G.
Protein change: p.Pro593Ala; replaces proline 593 with alanine.
Molecular consequence: missense variant.
Genome position (GRCh38, 1-based): chr5:72,195,132, C>G. VCF-style: chr5-72195132-C-G. GRCh37 (hg19) VCF-style: chr5-71490959-C-G.
Other names: c.1399C>G, p.Pro467Ala (NM_001324255.2); short protein forms P467A, P593A.
Identifiers: ClinVar variation 4881068 (VCV004881068.2).

ClinVar aggregate classification (germline): Uncertain significance (1 of 4 stars; one submission).

Submission:

Dasa
Classification: Uncertain significance. Last evaluated: 2025-09-09. Review status: criteria provided, single submitter. Criteria: DASA Assertion Criteria. Collection method: clinical testing. Allele origin: germline.
Comment: NM_005909.5(MAP1B):c.1777C>G (p.Pro593Ala) is a missense variant that results in the substitution of proline with alanine. This variant is absent from population databases. Computational prediction algorithms are consistent with a benign effect. The currently available literature and clinical evidence are not sufficient to establish a definitive association between this variant and the reported condition. Therefore, this variant is classified as a variant of uncertain significance.